The following is an entry in ClinVar:

NM_001304438.2(TMEM132E):c.2842G>A (p.Gly948Arg)

Gene: TMEM132E (transmembrane protein 132E; plus strand). Cytogenetic location: 17q12.
Variant type: single nucleotide variant.
Coding change: c.2842G>A on transcript NM_001304438.2 (MANE Select); coding-DNA position 2842, G replaced by A.
Protein change: p.Gly948Arg; replaces glycine 948 with arginine.
Molecular consequence: missense variant.
Genome position (GRCh38, 1-based): chr17:34,637,849, G>A. VCF-style: chr17-34637849-G-A. GRCh37 (hg19) VCF-style: chr17-32964868-G-A.
Other names: c.2842G>A (NM_001304438.1); short protein forms G948R.
Identifiers: ClinVar variation 2913741 (VCV002913741.4), dbSNP rs774658642, ClinGen allele CA8497044.
Genomic context (GRCh38, chr17:34,637,849, plus strand): 5'-AGCATGGACCACTCTCACCACTGGGTGTTCCTGGGCAACGGGCAGCCGCTGCGGGTGCAA[G>A]GAGAGCTGTCGCCGCCAGCAGGCAACCCGCTGGAAACCGTGCCCGCCTTCTGCCACGGCG-3'
Protein context (NP_001291367.1, residues 938-958): LGNGQPLRVQ[Gly948Arg]ELSPPAGNPL

ClinVar aggregate classification (germline): Likely benign. Review status: criteria provided, multiple submitters, no conflicts (2 of 4 stars). 2 submissions from 2 submitters: Likely benign (2). Last evaluated 2026-03-30.

Conditions:
TMEM132E-related disorder. Also called: TMEM132E-related condition.

Allele frequency attached by ClinVar (database versions not stated): gnomAD 0.00009; gnomAD exomes 0.00009; TOPMed 0.00019; ExAC 0.00022; 1000 Genomes Project 30x 0.00031.
gnomAD v4.1: 135 of 1,610,132 alleles (0.0084%); highest among the groups gnomAD compares: East Asian, 0.29%; 1 homozygote.

Submissions (2):

PreventionGenetics, part of Exact Sciences
Classification: Likely benign for TMEM132E-related condition. Last evaluated: 2026-03-30. Review status: criteria provided, single submitter. Criteria: ACMG Guidelines, 2015. Collection method: clinical testing. Allele origin: germline.
Comment: This variant is classified as likely benign based on ACMG/AMP sequence variant interpretation guidelines (Richards et al. 2015 PMID: 25741868, with internal and published modifications).

Labcorp Genetics (formerly Invitae), Labcorp
Classification: Likely benign. Last evaluated: 2024-08-29. Review status: criteria provided, single submitter. Criteria: Invitae Variant Classification Sherloc (09022015). Collection method: clinical testing. Allele origin: germline.